The following is an entry in ClinVar:

NM_000391.4(TPP1):c.663C>A (p.Ser221Arg)

Gene: TPP1 (tripeptidyl peptidase 1; minus strand). Cytogenetic location: 11p15.4.
Variant type: single nucleotide variant.
Coding change: c.663C>A on transcript NM_000391.4 (MANE Select); coding-DNA position 663, C replaced by A.
Protein change: p.Ser221Arg; replaces serine 221 with arginine.
Molecular consequence: missense variant.
Genome position (GRCh38, 1-based): chr11:6,616,999, G>T on the plus strand (C>A on the coding strand, the complement: TPP1 is on the minus strand). VCF-style: chr11-6616999-G-T. GRCh37 (hg19) VCF-style: chr11-6638230-G-T.
Other names: short protein forms S221R.
Identifiers: ClinVar variation 3393799 (VCV003393799.1).
Genomic context (GRCh38, chr11:6,616,999, plus strand): 5'-GGCTATGAGGACCCTGGGGCTCTTTGCTTGGCTCACCTGGGCACAGGCTTGGCTGTTATT[G>T]CTGGTGCCAGAGCCCACGTCTTGTGAGGTCAAGTTGTATCGCTTACGGATCACAGAGGGG-3'
Protein context (NP_000382.3, residues 211-231): LTSQDVGSGT[Ser221Arg]NNSQACAQFL

ClinVar aggregate classification (germline): Uncertain significance (1 of 4 stars; one submission).

Submission:

GeneDx
Classification: Uncertain significance. Last evaluated: 2024-07-03. Review status: criteria provided, single submitter. Criteria: GeneDx Variant Classification Process June 2021. Collection method: clinical testing. Allele origin: germline. Affected: yes.
Comment: Not observed at significant frequency in large population cohorts (gnomAD); In silico analysis indicates that this missense variant does not alter protein structure/function; Has not been previously published as pathogenic or benign to our knowledge